The following is an entry in ClinVar:

NM_177438.3(DICER1):c.166C>G (p.Leu56Val)

Gene: DICER1 (dicer 1, ribonuclease III; minus strand). Cytogenetic location: 14q32.13.
Variant type: single nucleotide variant.
Coding change: c.166C>G on transcript NM_177438.3 (MANE Select); coding-DNA position 166, C replaced by G.
Protein change: p.Leu56Val; replaces leucine 56 with valine.
Molecular consequence: missense variant.
Genome position (GRCh38, 1-based): chr14:95,132,656, G>C on the plus strand (C>G on the coding strand, the complement: DICER1 is on the minus strand). VCF-style: chr14-95132656-G-C. GRCh37 (hg19) VCF-style: chr14-95598993-G-C.
Other names: c.166C>G (NM_177438.2); c.166C>G, p.Leu56Val (NM_001195573.1, NM_001271282.3, NM_001291628.2 and 1 more transcripts); short protein forms L56V.
Identifiers: ClinVar variation 1503843 (VCV001503843.8), dbSNP rs2140289070, ClinGen allele CA390890098.

ClinVar aggregate classification (germline): Uncertain significance. Review status: criteria provided, multiple submitters, no conflicts (2 of 4 stars). 2 submissions from 2 submitters: Uncertain significance (2). Last evaluated 2024-12-04.

Conditions:
Hereditary cancer-predisposing syndrome. Also called: Tumor predisposition; Hereditary neoplastic syndrome; Neoplastic Syndromes, Hereditary; Hereditary Cancer Syndrome. Identifiers: Orphanet 140162, MedGen C0027672, MeSH D009386, MONDO:0015356.
DICER1-related tumor predisposition. Also called: DICER1 syndrome; DICER1-related pleuropulmonary blastoma cancer predisposition syndrome. Identifiers: Orphanet 284343, MedGen C3839822, MONDO:0100216.

Submissions (2):

Ambry Genetics
Classification: Uncertain significance for Hereditary cancer-predisposing syndrome. Last evaluated: 2024-12-04. Review status: criteria provided, single submitter. Criteria: Ambry Variant Classification Scheme 2023. Collection method: clinical testing. Allele origin: germline.
Comment: The p.L56V variant (also known as c.166C>G), located in coding exon 2 of the DICER1 gene, results from a C to G substitution at nucleotide position 166. The leucine at codon 56 is replaced by valine, an amino acid with highly similar properties. This amino acid position is conserved. In addition, the in silico prediction for this alteration is inconclusive. Based on the available evidence, the clinical significance of this variant remains unclear.

Labcorp Genetics (formerly Invitae), Labcorp
Classification: Uncertain significance for DICER1-related tumor predisposition. Last evaluated: 2024-04-15. Review status: criteria provided, single submitter. Criteria: Invitae Variant Classification Sherloc (09022015). Collection method: clinical testing. Allele origin: germline.
Comment: This sequence change replaces leucine, which is neutral and non-polar, with valine, which is neutral and non-polar, at codon 56 of the DICER1 protein (p.Leu56Val). This variant is not present in population databases (gnomAD no frequency). This variant has not been reported in the literature in individuals affected with DICER1-related conditions. ClinVar contains an entry for this variant (Variation ID: 1503843). Advanced modeling of protein sequence and biophysical properties (such as structural, functional, and spatial information, amino acid conservation, physicochemical variation, residue mobility, and thermodynamic stability) performed at Invitae indicates that this missense variant is not expected to disrupt DICER1 protein function with a negative predictive value of 80%. In summary, the available evidence is currently insufficient to determine the role of this variant in disease. Therefore, it has been classified as a Variant of Uncertain Significance.